The following is an entry in ClinVar:

ClinVar aggregate classification (germline): Uncertain significance. Review status: criteria provided, multiple submitters, no conflicts (2 of 4 stars). 2 submissions from 2 submitters: Uncertain significance (2). Last evaluated 2025-05-23.

Conditions:
Hypoplastic left heart syndrome. Also called: Hypoplastic left ventricle; Hypoplastic left heart. Identifiers: Orphanet 2248, MedGen C0152101, MONDO:0004933, HP:0004383.

Allele frequency attached by ClinVar (database versions not stated): ExAC 0.00003; ESP Exome Variant Server 0.00008; 1000 Genomes Project 0.00020; 1000 Genomes Project 30x 0.00031.

Submissions (2):

Ambry Genetics
Classification: Uncertain significance. Last evaluated: 2025-05-23. Review status: criteria provided, single submitter. Criteria: Ambry Variant Classification Scheme 2023. Collection method: clinical testing. Allele origin: germline.

Labcorp Genetics (formerly Invitae), Labcorp
Classification: Uncertain significance for Hypoplastic left heart syndrome. Last evaluated: 2023-11-02. Review status: criteria provided, single submitter. Criteria: Invitae Variant Classification Sherloc (09022015). Collection method: clinical testing. Allele origin: germline.
Comment: This sequence change replaces arginine, which is basic and polar, with glycine, which is neutral and non-polar, at codon 91 of the HAND1 protein (p.Arg91Gly). This variant is present in population databases (rs369296058, gnomAD 0.03%). This variant has not been reported in the literature in individuals affected with HAND1-related conditions. An algorithm developed to predict the effect of missense changes on protein structure and function (PolyPhen-2) suggests that this variant is likely to be tolerated. In summary, the available evidence is currently insufficient to determine the role of this variant in disease. Therefore, it has been classified as a Variant of Uncertain Significance.

NM_004821.3(HAND1):c.271C>G (p.Arg91Gly)

Gene: HAND1 (heart and neural crest derivatives expressed 1; minus strand). Cytogenetic location: 5q33.2.
Variant type: single nucleotide variant.
Coding change: c.271C>G on transcript NM_004821.3 (MANE Select); coding-DNA position 271, C replaced by G.
Protein change: p.Arg91Gly; replaces arginine 91 with glycine.
Molecular consequence: missense variant.
Genome position (GRCh38, 1-based): chr5:154,477,738, G>C on the plus strand (C>G on the coding strand, the complement: HAND1 is on the minus strand). VCF-style: chr5-154477738-G-C. GRCh37 (hg19) VCF-style: chr5-153857298-G-C.
Other names: c.271C>G (NM_004821.2); short protein forms R91G.
Identifiers: ClinVar variation 2893645 (VCV002893645.4), dbSNP rs369296058, ClinGen allele CA3526587.
Genomic context (GRCh38, chr5:154,477,738, plus strand): 5'-TAATGCTCTCAGTGCGTCTCCGCTCCTTCTTGGGTCCTGAGCCTTTCCGCCGGCCAAGAC[G>C]GCCGCCAAGCGCCTCCAGCCGCCCGGGGCTCTGCCCAGGCCTGGCGTCAGGACCATAGGC-3'
Protein context (NP_004812.1, residues 81-101): SPGRLEALGG[Arg91Gly]LGRRKGSGPK